The following is an entry in ClinVar:

NM_002546.4(TNFRSF11B):c.461C>T (p.Thr154Met)

Gene: TNFRSF11B (TNF receptor superfamily member 11b; minus strand). Cytogenetic location: 8q24.12.
Variant type: single nucleotide variant.
Coding change: c.461C>T on transcript NM_002546.4 (MANE Select); coding-DNA position 461, C replaced by T.
Protein change: p.Thr154Met; replaces threonine 154 with methionine.
Molecular consequence: missense variant.
Genome position (GRCh38, 1-based): chr8:118,928,869, G>A on the plus strand (C>T on the coding strand, the complement: TNFRSF11B is on the minus strand). VCF-style: chr8-118928869-G-A. GRCh37 (hg19) VCF-style: chr8-119941108-G-A.
Other names: short protein forms T154M.
Identifiers: ClinVar variation 2059376 (VCV002059376.4), dbSNP rs149778739, ClinGen allele CA4854906.

ClinVar aggregate classification (germline): Uncertain significance (1 of 4 stars; one submission).

Allele frequency attached by ClinVar (database versions not stated): ESP Exome Variant Server 0.00008; gnomAD 0.00010; TOPMed 0.00012; ExAC 0.00022; 1000 Genomes Project 30x 0.00062; 1000 Genomes Project 0.00080.
gnomAD v4.1: 143 of 1,614,158 alleles (0.0089%); highest among the groups gnomAD compares: East Asian, 0.1%; no homozygotes.

Submission:

Labcorp Genetics (formerly Invitae), Labcorp
Classification: Uncertain significance. Last evaluated: 2026-01-05. Review status: criteria provided, single submitter. Criteria: Invitae Variant Classification Sherloc (09022015). Collection method: clinical testing. Allele origin: germline.
Comment: This sequence change replaces threonine, which is neutral and polar, with methionine, which is neutral and non-polar, at codon 154 of the TNFRSF11B protein (p.Thr154Met). This variant is present in population databases (rs149778739, gnomAD 0.1%). This variant has not been reported in the literature in individuals affected with TNFRSF11B-related conditions. ClinVar contains an entry for this variant (Variation ID: 2059376). Invitae Evidence Modeling of protein sequence and biophysical properties (such as structural, functional, and spatial information, amino acid conservation, physicochemical variation, residue mobility, and thermodynamic stability) indicates that this missense variant is not expected to disrupt TNFRSF11B protein function with a negative predictive value of 80%. In summary, the available evidence is currently insufficient to determine the role of this variant in disease. Therefore, it has been classified as a Variant of Uncertain Significance.